The following is an entry in ClinVar:

NM_133372.3(FNIP1):c.3372C>A (p.Tyr1124Ter)

Gene: FNIP1 (folliculin interacting protein 1; minus strand). Cytogenetic location: 5q31.1.
Variant type: single nucleotide variant.
Coding change: c.3372C>A on transcript NM_133372.3 (MANE Select); coding-DNA position 3372, C replaced by A.
Protein change: p.Tyr1124Ter; replaces tyrosine 1124 with a stop codon.
Molecular consequence: nonsense.
Genome position (GRCh38, 1-based): chr5:131,647,140, G>T on the plus strand (C>A on the coding strand, the complement: FNIP1 is on the minus strand). VCF-style: chr5-131647140-G-T. GRCh37 (hg19) VCF-style: chr5-130982833-G-T.
Other names: c.3288C>A, p.Tyr1096Ter (NM_001008738.3); c.3237C>A, p.Tyr1079Ter (NM_001346114.2); short protein forms Y1079*, Y1124*, Y1096*.
Identifiers: ClinVar variation 3670425 (VCV003670425.2).

ClinVar aggregate classification (germline): Pathogenic (1 of 4 stars; one submission).

Submission:

Labcorp Genetics (formerly Invitae), Labcorp
Classification: Pathogenic. Last evaluated: 2024-05-23. Review status: criteria provided, single submitter. Criteria: Invitae Variant Classification Sherloc (09022015). Collection method: clinical testing. Allele origin: germline.
Comment: This sequence change creates a premature translational stop signal (p.Tyr1124*) in the FNIP1 gene. It is expected to result in an absent or disrupted protein product. Loss-of-function variants in FNIP1 are known to be pathogenic (PMID: 32181500, 32905580). This variant is not present in population databases (gnomAD no frequency). This variant has not been reported in the literature in individuals affected with FNIP1-related conditions. Algorithms developed to predict the effect of sequence changes on RNA splicing suggest that this variant may disrupt the consensus splice site. For these reasons, this variant has been classified as Pathogenic.

Literature cited by the submitters: PubMed 32181500; PubMed 32905580.